The following is an entry in ClinVar:

ClinVar aggregate classification (germline): Benign/Likely benign. Review status: criteria provided, multiple submitters, no conflicts (2 of 4 stars). 3 submissions from 3 submitters: Benign (1); Likely benign (2). Last evaluated 2026-01-20.

Conditions:
Nephronophthisis 18 (NPHP18). Identifiers: Orphanet 655, MedGen C3890591, MONDO:0014374, OMIM 615862.

Allele frequency attached by ClinVar (database versions not stated): 1000 Genomes Project 0.00080; 1000 Genomes Project 30x 0.00109; gnomAD 0.00239; TOPMed 0.00267; ESP Exome Variant Server 0.00312.
gnomAD v4.1: 995 of 1,612,756 alleles (0.062%); highest among the groups gnomAD compares: African/African-American, 0.77%; 4 homozygotes.

Submissions (3):

Labcorp Genetics (formerly Invitae), Labcorp
Classification: Benign for Nephronophthisis 18. Last evaluated: 2026-01-20. Review status: criteria provided, single submitter. Criteria: Invitae Variant Classification Sherloc (09022015). Collection method: clinical testing. Allele origin: germline.

Blueprint Genetics
Classification: Likely benign. Last evaluated: 2024-11-21. Review status: criteria provided, single submitter. Criteria: ACMG Guidelines, 2015. Collection method: clinical testing. Allele origin: germline.

CeGaT Center for Human Genetics Tuebingen
Classification: Likely benign. Last evaluated: 2022-06-01. Review status: criteria provided, single submitter. Criteria: CeGaT Center For Human Genetics Tuebingen Variant Classification Criteria Version 2. Collection method: clinical testing. Allele origin: germline. Affected: yes. Observed: 1 variant allele.
Comment: CEP83: BP4, BP7

NM_016122.3(CEP83):c.1203C>T (p.Leu401=)

Gene: CEP83 (centrosomal protein 83; minus strand). Cytogenetic location: 12q22.
Variant type: single nucleotide variant.
Coding change: c.1203C>T on transcript NM_016122.3 (MANE Select); coding-DNA position 1203, C replaced by T.
Protein change: p.Leu401=; no amino-acid change (leucine 401 retained).
Molecular consequence: synonymous variant. On other transcripts: non-coding transcript variant (1).
Genome position (GRCh38, 1-based): chr12:94,367,934, G>A on the plus strand (C>T on the coding strand, the complement: CEP83 is on the minus strand). VCF-style: chr12-94367934-G-A. GRCh37 (hg19) VCF-style: chr12-94761710-G-A.
Other names: c.1203C>T, p.Leu401= (NM_001042399.2, NM_001346457.2, NM_001368037.1 and 1 more transcripts); c.891C>T, p.Leu297= (NM_001346458.2, NM_001346459.2, NM_001368039.1 and 1 more transcripts); c.978C>T, p.Leu326= (NM_001368041.1).
Identifiers: ClinVar variation 541797 (VCV000541797.36), dbSNP rs189675715, ClinGen allele CA6721707.